The following is an entry in ClinVar:

ClinVar aggregate classification (germline): Conflicting classifications of pathogenicity. Review status: criteria provided, conflicting classifications (1 of 4 stars). 3 submissions from 3 submitters: Uncertain significance (2); Likely benign (1). Last evaluated 2024-05-23.

Conditions:
Infantile liver failure syndrome 3. Identifiers: MedGen C5231437, MONDO:0032844, OMIM 618641.

Allele frequency attached by ClinVar (database versions not stated): TOPMed 0.00005; ExAC 0.00006; gnomAD exomes 0.00006 and 0.00015; gnomAD 0.00007 and 0.00008; ESP Exome Variant Server 0.00008.

Submissions (3):

Fulgent Genetics
Classification: Uncertain significance for Infantile liver failure syndrome 3. Last evaluated: 2024-05-23. Review status: criteria provided, single submitter. Criteria: ACMG Guidelines, 2015. Collection method: clinical testing. Allele origin: germline.

Labcorp Genetics (formerly Invitae), Labcorp
Classification: Uncertain significance. Last evaluated: 2024-03-31. Review status: criteria provided, single submitter. Criteria: Invitae Variant Classification Sherloc (09022015). Collection method: clinical testing. Allele origin: germline.
Comment: This sequence change replaces proline, which is neutral and non-polar, with arginine, which is basic and polar, at codon 419 of the RINT1 protein (p.Pro419Arg). This variant is present in population databases (rs374836052, gnomAD 0.01%). This missense change has been observed in individual(s) with a personal and/or family history of breast cancer (PMID: 25050558, 27544226). ClinVar contains an entry for this variant (Variation ID: 659053). An algorithm developed to predict the effect of missense changes on protein structure and function (PolyPhen-2) suggests that this variant is likely to be disruptive. In summary, the available evidence is currently insufficient to determine the role of this variant in disease. Therefore, it has been classified as a Variant of Uncertain Significance.

Ambry Genetics
Classification: Likely benign. Last evaluated: 2020-07-02. Review status: criteria provided, single submitter. Criteria: Ambry Variant Classification Scheme 2023. Collection method: clinical testing. Allele origin: germline.

Literature cited by the submitters: PubMed 25050558 (cited by Labcorp Genetics (formerly Invitae), Labcorp); PubMed 27544226 (cited by Labcorp Genetics (formerly Invitae), Labcorp).

NM_021930.6(RINT1):c.1256C>G (p.Pro419Arg)

Gene: RINT1 (RAD50 interactor 1; plus strand). Cytogenetic location: 7q22.3.
Variant type: single nucleotide variant.
Coding change: c.1256C>G on transcript NM_021930.6 (MANE Select); coding-DNA position 1256, C replaced by G.
Protein change: p.Pro419Arg; replaces proline 419 with arginine.
Molecular consequence: missense variant. On other transcripts: non-coding transcript variant (1).
Genome position (GRCh38, 1-based): chr7:105,550,409, C>G. VCF-style: chr7-105550409-C-G. GRCh37 (hg19) VCF-style: chr7-105190856-C-G.
Other names: c.1022C>G, p.Pro341Arg (NM_001346599.2); c.233C>G, p.Pro78Arg (NM_001346600.2, NM_001346603.2); c.332C>G, p.Pro111Arg (NM_001346601.2); short protein forms P419R, P111R, P78R, P341R.
Identifiers: ClinVar variation 659053 (VCV000659053.12), dbSNP rs374836052, ClinGen allele CA4426629.